The following is an entry in ClinVar:

NC_000014.8:g.(?_58711639)_(58718980_?)dup

Gene: PSMA3 (proteasome 20S subunit alpha 3; plus strand). Cytogenetic location: 14q23.1.
Variant type: Duplication.
Identifiers: ClinVar variation 2424543 (VCV002424543.4).

ClinVar aggregate classification (germline): Uncertain significance (1 of 4 stars; one submission).

Submission:

Labcorp Genetics (formerly Invitae), Labcorp
Classification: Uncertain significance. Last evaluated: 2023-05-23. Review status: criteria provided, single submitter. Criteria: Invitae Variant Classification Sherloc (09022015). Collection method: clinical testing. Allele origin: germline.
Comment: In summary, the available evidence is currently insufficient to determine the role of this variant in disease. Therefore, it has been classified as a Variant of Uncertain Significance. This variant has not been reported in the literature in individuals affected with PSMA3-related conditions. This variant results in a copy number gain of the genomic region encompassing exon(s) 1-3 of the PSMA3 gene. This region includes the initiator codon of the gene. This copy number gain extends beyond the assayed region for this gene and therefore may encompass additional genes. As the precise location of this event is unknown, it may be in tandem or it may be located elsewhere in the genome.